The following is an entry in ClinVar:

ClinVar aggregate classification (germline): Uncertain significance (1 of 4 stars; one submission).

gnomAD v4.1: 63 of 1,590,544 alleles (0.004%); highest among the groups gnomAD compares: East Asian, 0.056%; no homozygotes.

Submission:

GeneDx
Classification: Uncertain significance. Last evaluated: 2022-06-09. Review status: criteria provided, single submitter. Criteria: GeneDx Variant Classification Process June 2021. Collection method: clinical testing. Allele origin: germline.
Comment: In silico analysis, which includes splice predictors and evolutionary conservation, supports that this missense variant has a deleterious effect on protein structure/function and suggests this variant may impact gene splicing; in the absence of RNA/functional studies, the actual effect of this sequence change is unknown; Variants in candidate genes are classified as variants of uncertain significance in accordance with ACMG guidelines (Richards et al., 2015); This variant is associated with the following publications: (PMID: 23967202)

NM_002332.3(LRP1):c.6493G>A (p.Gly2165Arg)

Gene: LRP1 (LDL receptor related protein 1; plus strand). Cytogenetic location: 12q13.3.
Variant type: single nucleotide variant.
Coding change: c.6493G>A on transcript NM_002332.3 (MANE Select); coding-DNA position 6493, G replaced by A.
Protein change: p.Gly2165Arg; replaces glycine 2165 with arginine.
Molecular consequence: missense variant.
Genome position (GRCh38, 1-based): chr12:57,185,560, G>A. VCF-style: chr12-57185560-G-A. GRCh37 (hg19) VCF-style: chr12-57579343-G-A.
Other names: short protein forms G2165R.
Identifiers: ClinVar variation 4975083 (VCV004975083.1).